The following is an entry in ClinVar:

NM_000553.6(WRN):c.2305A>G (p.Ile769Val)

Gene: WRN (WRN RecQ like helicase; plus strand). Cytogenetic location: 8p12.
Variant type: single nucleotide variant.
Coding change: c.2305A>G on transcript NM_000553.6 (MANE Select); coding-DNA position 2305, A replaced by G.
Protein change: p.Ile769Val; replaces isoleucine 769 with valine.
Molecular consequence: missense variant.
Genome position (GRCh38, 1-based): chr8:31,116,385, A>G. VCF-style: chr8-31116385-A-G. GRCh37 (hg19) VCF-style: chr8-30973901-A-G.
Other names: short protein forms I769V.
Identifiers: ClinVar variation 842909 (VCV000842909.8), dbSNP rs1278754650, ClinGen allele CA370913443.

ClinVar aggregate classification (germline): Uncertain significance. Review status: criteria provided, multiple submitters, no conflicts (2 of 4 stars). 2 submissions from 2 submitters: Uncertain significance (2). Last evaluated 2026-08-04.

Conditions:
WRN-related disorder. Also called: WRN-related condition.
Werner syndrome (WRN). Identifiers: Orphanet 902, MedGen C0043119, MONDO:0010196, OMIM 277700.

Allele frequency attached by ClinVar (database versions not stated): gnomAD 0.00002; gnomAD exomes 0.00002 and 0.00001; TOPMed 0.00001.
gnomAD v4.1: 12 of 1,613,880 alleles (0.00074%); highest among the groups gnomAD compares: Admixed American, 0.013%; no homozygotes.

Submissions (2):

PreventionGenetics, part of Exact Sciences
Classification: Uncertain significance for WRN-related condition. Last evaluated: 2026-08-04. Review status: criteria provided, single submitter. Criteria: ACMG Guidelines, 2015. Collection method: clinical testing. Allele origin: germline.
Comment: The WRN c.2305A>G variant is predicted to result in the amino acid substitution p.Ile769Val. To our knowledge, this variant has not been reported in the literature. This variant is reported in 0.0087% of alleles in individuals of Latino descent in gnomAD and is classified as uncertain in ClinVar (Variation ID: 842909). At this time, the clinical significance of this variant is uncertain due to the absence of conclusive functional and genetic evidence.

Labcorp Genetics (formerly Invitae), Labcorp
Classification: Uncertain significance for Werner syndrome. Last evaluated: 2025-07-21. Review status: criteria provided, single submitter. Criteria: Invitae Variant Classification Sherloc (09022015). Collection method: clinical testing. Allele origin: germline.
Comment: This sequence change replaces isoleucine, which is neutral and non-polar, with valine, which is neutral and non-polar, at codon 769 of the WRN protein (p.Ile769Val). This variant is present in population databases (no rsID available, gnomAD 0.009%). This variant has not been reported in the literature in individuals affected with WRN-related conditions. ClinVar contains an entry for this variant (Variation ID: 842909). An algorithm developed to predict the effect of missense changes on protein structure and function (PolyPhen-2) suggests that this variant is likely to be tolerated. In summary, the available evidence is currently insufficient to determine the role of this variant in disease. Therefore, it has been classified as a Variant of Uncertain Significance.